The following is an entry in ClinVar:

NM_001025356.3(ANO6):c.758G>A (p.Arg253His)

Gene: ANO6 (anoctamin 6; plus strand). Cytogenetic location: 12q12.
Variant type: single nucleotide variant.
Coding change: c.758G>A on transcript NM_001025356.3 (MANE Select); coding-DNA position 758, G replaced by A.
Protein change: p.Arg253His; replaces arginine 253 with histidine.
Molecular consequence: missense variant.
Genome position (GRCh38, 1-based): chr12:45,350,669, G>A. VCF-style: chr12-45350669-G-A. GRCh37 (hg19) VCF-style: chr12-45744452-G-A.
Other names: p.Arg253His; c.704G>A, p.Arg235His (NM_001142678.2); c.758G>A, p.Arg253His (NM_001142679.2); c.821G>A, p.Arg274His (NM_001204803.2); c.725G>A, p.Arg242His (NM_001410973.1); short protein forms R235H, R274H, R242H, R253H.
Identifiers: ClinVar variation 3298950 (VCV003298950.2).

ClinVar aggregate classification (germline): Uncertain significance. Review status: criteria provided, multiple submitters, no conflicts (2 of 4 stars). 2 submissions from 2 submitters: Uncertain significance (2). Last evaluated 2024-08-13.

Conditions:
Inborn genetic diseases. Identifiers: MedGen C0950123, MeSH D030342.

gnomAD v4.1: 115 of 1,613,574 alleles (0.0071%); highest among the groups gnomAD compares: Admixed American, 0.047%; no homozygotes.

Submissions (2):

Mayo Clinic Laboratories, Mayo Clinic
Classification: Uncertain significance. Last evaluated: 2024-08-13. Review status: criteria provided, single submitter. Criteria: ACMG Guidelines, 2015. Collection method: clinical testing. Allele origin: germline. Observed: 1 variant allele.
Comment: BP4

Ambry Genetics
Classification: Uncertain significance for Inborn genetic diseases. Last evaluated: 2024-04-12. Review status: criteria provided, single submitter. Criteria: Ambry Variant Classification Scheme 2023. Collection method: clinical testing. Allele origin: germline.